The following is an entry in ClinVar:

ClinVar aggregate classification (germline): Likely benign. Review status: criteria provided, multiple submitters, no conflicts (2 of 4 stars). 3 submissions from 3 submitters: Likely benign (2). 1 of the submissions does not count toward it. Last evaluated 2025-01-31.

Conditions:
Adult-onset citrullinemia type I. Also called: Late-onset citrullinemia. Identifiers: Orphanet 247573, MedGen C0268546, MONDO:0016601.
Citrin deficiency. Identifiers: Orphanet 247582, MedGen C1997910, MONDO:0016602.

Allele frequency attached by ClinVar (database versions not stated): ExAC 0.00006; gnomAD exomes 0.00006 and 0.00017; ESP Exome Variant Server 0.00008; gnomAD 0.00010 and 0.00011; TOPMed 0.00011.
gnomAD v4.1: 255 of 1,614,018 alleles (0.016%); highest among the groups gnomAD compares: Non-Finnish European, 0.021%; no homozygotes.

Submissions (3):

Labcorp Genetics (formerly Invitae), Labcorp
Classification: Likely benign for Citrin deficiency. Last evaluated: 2025-01-31. Review status: criteria provided, single submitter. Criteria: Invitae Variant Classification Sherloc (09022015). Collection method: clinical testing. Allele origin: germline.

CeGaT Center for Human Genetics Tuebingen
Classification: Likely benign. Last evaluated: 2025-01-01. Review status: criteria provided, single submitter. Criteria: CeGaT Center For Human Genetics Tuebingen Variant Classification Criteria Version 2. Collection method: clinical testing. Allele origin: germline. Affected: yes. Observed: 1 variant allele.
Comment: SLC25A13: BP4, BP7

Natera, Inc.
Classification: Likely benign for Late-onset citrullinemia. Last evaluated: 2020-01-08. Review status: no assertion criteria provided. Collection method: clinical testing. Allele origin: germline. Not counted in ClinVar's aggregate classification.

NM_014251.3(SLC25A13):c.1170G>T (p.Leu390=)

Gene: SLC25A13 (solute carrier family 25 member 13; minus strand). Cytogenetic location: 7q21.3.
Variant type: single nucleotide variant.
Coding change: c.1170G>T on transcript NM_014251.3 (MANE Select); coding-DNA position 1170, G replaced by T.
Protein change: p.Leu390=; no amino-acid change (leucine 390 retained).
Molecular consequence: synonymous variant. On other transcripts: non-coding transcript variant (1).
Genome position (GRCh38, 1-based): chr7:96,184,284, C>A on the plus strand (G>T on the coding strand, the complement: SLC25A13 is on the minus strand). VCF-style: chr7-96184284-C-A. GRCh37 (hg19) VCF-style: chr7-95813596-C-A.
Other names: c.1173G>T, p.Leu391= (NM_001160210.2).
Identifiers: ClinVar variation 724853 (VCV000724853.24), dbSNP rs377724262, ClinGen allele CA4353029.